The following is an entry in ClinVar:

NM_001354483.2(CSGALNACT1):c.445G>A (p.Asp149Asn)

Gene: CSGALNACT1 (chondroitin sulfate N-acetylgalactosaminyltransferase 1; minus strand). Cytogenetic location: 8p21.3.
Variant type: single nucleotide variant.
Coding change: c.445G>A on transcript NM_001354483.2 (MANE Select); coding-DNA position 445, G replaced by A.
Protein change: p.Asp149Asn; replaces aspartic acid 149 with asparagine.
Molecular consequence: missense variant. On other transcripts: non-coding transcript variant (7).
Genome position (GRCh38, 1-based): chr8:19,505,390, C>T on the plus strand (G>A on the coding strand, the complement: CSGALNACT1 is on the minus strand). VCF-style: chr8-19505390-C-T. GRCh37 (hg19) VCF-style: chr8-19362901-C-T.
Other names: c.445G>A, p.Asp149Asn (NM_001130518.2, NM_001354475.2, NM_001354476.2 and 18 more transcripts); short protein forms D149N.
Identifiers: ClinVar variation 1484228 (VCV001484228.3), dbSNP rs141711370, ClinGen allele CA4654248.

ClinVar aggregate classification (germline): Uncertain significance (1 of 4 stars; one submission).

Allele frequency attached by ClinVar (database versions not stated): gnomAD 0.00003; ExAC 0.00007; gnomAD exomes 0.00007; ESP Exome Variant Server 0.00008.
gnomAD v4.1: 39 of 1,614,056 alleles (0.0024%); highest among the groups gnomAD compares: Admixed American, 0.035%; no homozygotes.

Submission:

Labcorp Genetics (formerly Invitae), Labcorp
Classification: Uncertain significance. Last evaluated: 2022-06-27. Review status: criteria provided, single submitter. Criteria: Invitae Variant Classification Sherloc (09022015). Collection method: clinical testing. Allele origin: germline.
Comment: This sequence change replaces aspartic acid, which is acidic and polar, with asparagine, which is neutral and polar, at codon 149 of the CSGALNACT1 protein (p.Asp149Asn). This variant is present in population databases (rs141711370, gnomAD 0.04%). This variant has not been reported in the literature in individuals affected with CSGALNACT1-related conditions. Algorithms developed to predict the effect of missense changes on protein structure and function are either unavailable or do not agree on the potential impact of this missense change (SIFT: "Tolerated"; PolyPhen-2: "Possibly Damaging"; Align-GVGD: "Class C0"). In summary, the available evidence is currently insufficient to determine the role of this variant in disease. Therefore, it has been classified as a Variant of Uncertain Significance.